The following is an entry in ClinVar:

NM_174936.4(PCSK9):c.35C>T (p.Pro12Leu)

Gene: PCSK9 (proprotein convertase subtilisin/kexin type 9; plus strand). Cytogenetic location: 1p32.3.
Variant type: single nucleotide variant.
Coding change: c.35C>T on transcript NM_174936.4 (MANE Select); coding-DNA position 35, C replaced by T.
Protein change: p.Pro12Leu; replaces proline 12 with leucine.
Molecular consequence: missense variant.
Genome position (GRCh38, 1-based): chr1:55,039,872, C>T. VCF-style: chr1-55039872-C-T. GRCh37 (hg19) VCF-style: chr1-55505545-C-T.
Other names: short protein forms P12L.
Identifiers: ClinVar variation 927406 (VCV000927406.19), dbSNP rs760558712, ClinGen allele CA041578.
Genomic context (GRCh38, chr1:55,039,872, plus strand): 5'-GGACAGCAACCTCTCCCCTGGCCCTCATGGGCACCGTCAGCTCCAGGCGGTCCTGGTGGC[C>T]GCTGCCACTGCTGCTGCTGCTGCTGCTGCTCCTGGGTCCCGCGGGCGCCCGTGCGCAGGA-3'
Protein context (NP_777596.2, residues 2-22): GTVSSRRSWW[Pro12Leu]LPLLLLLLLL

ClinVar aggregate classification (germline): Conflicting classifications of pathogenicity. Review status: criteria provided, conflicting classifications (1 of 4 stars). 5 submissions from 5 submitters: Uncertain significance (2); Likely benign (3). Last evaluated 2025-11-05.

Conditions:
Hypercholesterolemia, autosomal dominant, 3 (FHCL3). Also called: PCSK9-Related Familial Hypercholesterolemia, Autosomal Dominant; Familial hypercholesterolemia 3; Familial Hypercholesterolemia, Autosomal Dominant, 3. Identifiers: MedGen C1863551, MONDO:0011369, OMIM 603776.
Cardiovascular phenotype. Identifiers: MedGen CN230736.
Familial hypercholesterolemia. Also called: Familial hypercholesterolaemia; Familial hypercholesterolemias. Identifiers: MedGen C0020445, MONDO:0005439.

Allele frequency attached by ClinVar (database versions not stated): gnomAD 0.00001; TOPMed 0.00001; gnomAD exomes 0.00003 and 0.00009; ExAC 0.00013.
gnomAD v4.1: 47 of 1,561,680 alleles (0.003%); highest among the groups gnomAD compares: South Asian, 0.048%; no homozygotes.

Submissions (5):

Women's Health and Genetics/Laboratory Corporation of America, LabCorp
Classification: Likely benign. Last evaluated: 2025-11-05. Review status: criteria provided, single submitter. Criteria: LabCorp Variant Classification Summary - May 2015. Collection method: clinical testing. Allele origin: germline.

Labcorp Genetics (formerly Invitae), Labcorp
Classification: Likely benign for Hypercholesterolemia, autosomal dominant, 3. Last evaluated: 2025-02-05. Review status: criteria provided, single submitter. Criteria: Invitae Variant Classification Sherloc (09022015). Collection method: clinical testing. Allele origin: germline.

Ambry Genetics
Classification: Likely benign for Cardiovascular phenotype. Last evaluated: 2024-08-31. Review status: criteria provided, single submitter. Criteria: Ambry Variant Classification Scheme 2023. Collection method: clinical testing. Allele origin: germline.

Color Diagnostics, LLC DBA Color Health
Classification: Uncertain significance for Familial hypercholesterolemia. Last evaluated: 2024-03-06. Review status: criteria provided, single submitter. Criteria: ACMG Guidelines, 2015. Collection method: clinical testing. Allele origin: germline.
Comment: This missense variant replaces proline with leucine at codon 12 of the PCSK9 protein. Computational prediction suggests that this variant may not impact protein structure and function (internally defined REVEL score threshold <= 0.5, PMID: 27666373). To our knowledge, functional studies have not been reported for this variant. This variant has not been reported in individuals affected with PCSK9-related disorders in the literature. This variant has been identified in 15/165530 chromosomes in the general population by the Genome Aggregation Database (gnomAD). The available evidence is insufficient to determine the role of this variant in disease conclusively. Therefore, this variant is classified as a Variant of Uncertain Significance.

All of Us Research Program, National Institutes of Health
Classification: Uncertain significance for Hypercholesterolemia, autosomal dominant, 3. Last evaluated: 2023-05-15. Review status: criteria provided, single submitter. Criteria: ACMG Guidelines, 2015. Collection method: clinical testing. Allele origin: germline. Inheritance: Autosomal dominant inheritance. Observed: 3 variant alleles, 3 heterozygotes.
Comment: Variant of Uncertain Significance due to insufficient evidence: This missense variant is located in the signal peptide sequence of the PCSK9 protein. Computational prediction tools and conservation analyses suggest that this variant may not impact the protein function. This variant occurs in multiple mammalian species, suggesting that the variant may be functionally tolerated. Computational splicing tools suggest that this variant may not impact RNA splicing. To our knowledge, functional assays have not been performed for this variant nor has this variant been reported in individuals affected with familial hypercholesterolemia in the literature. This variant has been identified in 15/158900 chromosomes in the general population by the Genome Aggregation Database (gnomAD). Available evidence is insufficient to determine the pathogenicity of this variant conclusively.

This study involves interpretation of variants in research participants for the purpose of population health screening. Participant phenotype was not available at the time of variant classification. Additional details can be found in publication PMID: 35346344, PMCID: PMC8962531